The following is an entry in ClinVar:

ClinVar aggregate classification (germline): Uncertain significance. Review status: criteria provided, multiple submitters, no conflicts (2 of 4 stars). 3 submissions from 3 submitters: Uncertain significance (3). Last evaluated 2021-09-01.

Conditions:
Charcot-Marie-Tooth disease type 2. Also called: Charcot-Marie-Tooth type 2. Identifiers: Orphanet 64746, MedGen C0270914, MONDO:0018993.

Allele frequency attached by ClinVar (database versions not stated): TOPMed below 0.00001; gnomAD 0.00001.

Submissions (3):

CeGaT Center for Human Genetics Tuebingen
Classification: Uncertain significance. Last evaluated: 2021-09-01. Review status: criteria provided, single submitter. Criteria: CeGaT Center For Human Genetics Tuebingen Variant Classification Criteria Version 2. Collection method: clinical testing. Allele origin: germline. Affected: yes. Observed: 1 variant allele.

Labcorp Genetics (formerly Invitae), Labcorp
Classification: Uncertain significance for Charcot-Marie-Tooth disease type 2. Last evaluated: 2021-08-28. Review status: criteria provided, single submitter. Criteria: Invitae Variant Classification Sherloc (09022015). Collection method: clinical testing. Allele origin: germline.
Comment: This sequence change replaces proline with leucine at codon 681 of the MED25 protein (p.Pro681Leu). The proline residue is moderately conserved and there is a moderate physicochemical difference between proline and leucine. This variant is not present in population databases (ExAC no frequency). This variant has not been reported in the literature in individuals affected with MED25-related conditions. Algorithms developed to predict the effect of missense changes on protein structure and function are either unavailable or do not agree on the potential impact of this missense change (SIFT: "Tolerated"; PolyPhen-2: "Probably Damaging"; Align-GVGD: "Class C0"). In summary, the available evidence is currently insufficient to determine the role of this variant in disease. Therefore, it has been classified as a Variant of Uncertain Significance.

Breakthrough Genomics
Classification: Uncertain significance. Review status: criteria provided, single submitter. Criteria: ACMG Guidelines, 2015. Collection method: not provided. Allele origin: germline. Inheritance: Autosomal dominant inheritance. Affected: yes.

NM_030973.4(MED25):c.2042C>T (p.Pro681Leu)

Gene: MED25 (mediator complex subunit 25; plus strand). Cytogenetic location: 19q13.33.
Variant type: single nucleotide variant.
Coding change: c.2042C>T on transcript NM_030973.4 (MANE Select); coding-DNA position 2042, C replaced by T.
Protein change: p.Pro681Leu; replaces proline 681 with leucine.
Molecular consequence: missense variant.
Genome position (GRCh38, 1-based): chr19:49,836,302, C>T. VCF-style: chr19-49836302-C-T. GRCh37 (hg19) VCF-style: chr19-50339559-C-T.
Other names: c.2042C>T, p.Pro681Leu (NM_001378355.1); short protein forms P681L.
Identifiers: ClinVar variation 847222 (VCV000847222.41), dbSNP rs974538844, ClinGen allele CA309521145.
Genomic context (GRCh38, chr19:49,836,302, plus strand): 5'-CCCCACCCCAGGCCTCCCTCCACCACCTCCAGCCACCAGGGGCTCCTGCGCTGCTGCCTC[C>T]GCCGCACCAGGGCCTGGGGCAGCCCCAGTTGGGGCCCCCACTCCTGCATCCACCACCTGC-3'
Protein context (NP_112235.2, residues 671-691): QPPGAPALLP[Pro681Leu]PHQGLGQPQL